The following is an entry in ClinVar:

NC_000013.10:g.(?_32968806)_(32972907_?)dup

Gene: BRCA2 (BRCA2 DNA repair associated; plus strand). Cytogenetic location: 13q13.1.
Variant type: Duplication.
Identifiers: ClinVar variation 1060881 (VCV001060881.7).

ClinVar aggregate classification (germline): Uncertain significance (1 of 4 stars; one submission).

Conditions:
Hereditary breast ovarian cancer syndrome. Also called: Hereditary breast and/or ovarian cancer syndrome; Breast and ovarian cancer; BRCA1- and BRCA2-Associated Hereditary Breast and Ovarian Cancer; Hereditary breast and ovarian cancer syndrome; Hereditary breast and ovarian cancer syndrome (HBOC); Hereditary breast and ovarian cancer. Identifiers: Orphanet 145, MedGen C0677776, MeSH D061325, MONDO:0003582. Disease mechanism: loss of function.

Submission:

Labcorp Genetics (formerly Invitae), Labcorp
Classification: Uncertain significance for Hereditary breast ovarian cancer syndrome. Last evaluated: 2020-02-04. Review status: criteria provided, single submitter. Criteria: Invitae Variant Classification Sherloc (09022015). Collection method: clinical testing. Allele origin: germline.
Comment: In summary, the available evidence is currently insufficient to determine the role of this variant in disease. Therefore, it has been classified as a Variant of Uncertain Significance. Experimental studies and prediction algorithms are not available or were not evaluated, and the functional significance of this variant is currently unknown. This variant has not been reported in the literature in individuals with BRCA2-related conditions. This variant results in a copy number gain of the genomic region encompassing exons 25-27 of the BRCA2 gene. The 5' boundary is likely confined to intron 24. The 3' end of this event is unknown as it extends beyond the assayed region for this gene and therefore may encompass additional genes. As the precise location of this event is unknown, it may be in tandem or it may be located elsewhere in the genome.